The following is an entry in ClinVar:

ClinVar aggregate classification (germline): Likely pathogenic (1 of 4 stars; one submission).

Submission:

Labcorp Genetics (formerly Invitae), Labcorp
Classification: Likely pathogenic. Last evaluated: 2021-03-10. Review status: criteria provided, single submitter. Criteria: Invitae Variant Classification Sherloc (09022015). Collection method: clinical testing. Allele origin: germline.
Comment: In summary, the currently available evidence indicates that the variant is pathogenic, but additional data are needed to prove that conclusively. Therefore, this variant has been classified as Likely Pathogenic. Algorithms developed to predict the effect of sequence changes on RNA splicing suggest that this variant may disrupt the consensus splice site, but this prediction has not been confirmed by published transcriptional studies. This variant has not been reported in the literature in individuals with ACAN-related conditions. This variant is not present in population databases (ExAC no frequency). This variant results in the deletion of part of exon 4 (c.455-3_457del) of the ACAN gene. It is expected to disrupt RNA splicing. Variants that disrupt the donor or acceptor splice site typically lead to a loss of protein function (PMID: 16199547), and loss-of-function variants in ACAN are known to be pathogenic (PMID: 16080123, 24762113).

Literature cited by the submitters: PubMed 16199547; PubMed 16080123; PubMed 24762113.

NM_001369268.1(ACAN):c.455-3_457del

Gene: ACAN (aggrecan; plus strand). Cytogenetic location: 15q26.1.
Variant type: Deletion.
Coding change: c.455-3_457del on transcript NM_001369268.1 (MANE Select); 3 bases into the intron before coding-DNA position 455 through coding-DNA position 457, 6 bases deleted (CAGGCA; older notation c.455-3_457delCAGGCA).
Molecular consequence: splice acceptor variant.
Genome position (GRCh38, 1-based): chr15:88,840,009-88,840,014, CAGGCA deleted. VCF-style (leftmost placement, unchanged base first): chr15-88840008-GCAGGCA-G. GRCh37 (hg19) VCF-style: chr15-89383239-GCAGGCA-G.
Other names: c.455-3_457del (NM_013227.4, NM_001135.4).
Identifiers: ClinVar variation 1466188 (VCV001466188.8), dbSNP rs2141566449, ClinGen allele CA2573151310.
Genomic context (GRCh38, chr15:88,840,008, plus strand): 5'-CCTCGGTGATCAGAGACTGTGCCTGACCAGCTCTTCCGCTTGTGGGCGTGTATGTGTCTT[GCAGGCA>G]TCGTGTTCCATTACAGAGCCATCTCTACACGCTACACCCTCGACTTTGACAGGGCGCAGC-3'